The following is an entry in ClinVar:

NM_002528.7(NTHL1):c.482A>T (p.Asp161Val)

Gene: NTHL1 (nth like DNA glycosylase 1; minus strand). Cytogenetic location: 16p13.3.
Variant type: single nucleotide variant.
Coding change: c.482A>T on transcript NM_002528.7 (MANE Select); coding-DNA position 482, A replaced by T.
Protein change: p.Asp161Val; replaces aspartic acid 161 with valine.
Molecular consequence: missense variant. On other transcripts: intron variant (1).
Genome position (GRCh38, 1-based): chr16:2,044,673, T>A on the plus strand (A>T on the coding strand, the complement: NTHL1 is on the minus strand). VCF-style: chr16-2044673-T-A. GRCh37 (hg19) VCF-style: chr16-2094674-T-A.
Other names: c.152A>T, p.Asp51Val (NM_001318194.2); c.355-947A>T (NM_001318193.2); short protein forms D161V, D51V.
Identifiers: ClinVar variation 3626637 (VCV003626637.2).

ClinVar aggregate classification (germline): Uncertain significance (1 of 4 stars; one submission).

gnomAD v4.1: 1 of 1,611,112 alleles (0.000062%); highest among the groups gnomAD compares: Non-Finnish European, 0.000085%; no homozygotes.

Submission:

Labcorp Genetics (formerly Invitae), Labcorp
Classification: Uncertain significance. Last evaluated: 2025-07-08. Review status: criteria provided, single submitter. Criteria: Invitae Variant Classification Sherloc (09022015). Collection method: clinical testing. Allele origin: germline.
Comment: This sequence change replaces aspartic acid, which is acidic and polar, with valine, which is neutral and non-polar, at codon 169 of the NTHL1 protein (p.Asp169Val). This variant is not present in population databases (gnomAD no frequency). This variant has not been reported in the literature in individuals affected with NTHL1-related conditions. ClinVar contains an entry for this variant (Variation ID: 3626637). An algorithm developed to predict the effect of missense changes on protein structure and function (PolyPhen-2) suggests that this variant is likely to be tolerated. In summary, the available evidence is currently insufficient to determine the role of this variant in disease. Therefore, it has been classified as a Variant of Uncertain Significance.